The following is an entry in ClinVar:

NM_014991.6(WDFY3):c.292A>G (p.Asn98Asp)

Gene: WDFY3 (WD repeat and FYVE domain containing 3; minus strand). Cytogenetic location: 4q21.23.
Variant type: single nucleotide variant.
Coding change: c.292A>G on transcript NM_014991.6 (MANE Select); coding-DNA position 292, A replaced by G.
Protein change: p.Asn98Asp; replaces asparagine 98 with aspartic acid.
Molecular consequence: missense variant.
Genome position (GRCh38, 1-based): chr4:84,849,914, T>C on the plus strand (A>G on the coding strand, the complement: WDFY3 is on the minus strand). VCF-style: chr4-84849914-T-C. GRCh37 (hg19) VCF-style: chr4-85771067-T-C.
Other names: short protein forms N98D.
Identifiers: ClinVar variation 4685202 (VCV004685202.1).

ClinVar aggregate classification (germline): Uncertain significance (1 of 4 stars; one submission).

gnomAD v4.1: 1 of 1,612,278 alleles (0.000062%); highest among the groups gnomAD compares: South Asian, 0.0011%; no homozygotes.

Submission:

GeneDx
Classification: Uncertain significance. Last evaluated: 2025-07-10. Review status: criteria provided, single submitter. Criteria: GeneDx Variant Classification Process June 2021. Collection method: clinical testing. Allele origin: germline. Affected: yes.
Comment: Not observed at significant frequency in large population cohorts (gnomAD); In silico analysis supports that this missense variant has a deleterious effect on protein structure/function; Has not been previously published as pathogenic or benign to our knowledge